The following is an entry in ClinVar:

NM_000256.3(MYBPC3):c.3457A>T (p.Thr1153Ser)

Gene: MYBPC3 (myosin binding protein C3; minus strand). Cytogenetic location: 11p11.2.
Variant type: single nucleotide variant.
Coding change: c.3457A>T on transcript NM_000256.3 (MANE Select); coding-DNA position 3457, A replaced by T.
Protein change: p.Thr1153Ser; replaces threonine 1153 with serine.
Molecular consequence: missense variant.
Genome position (GRCh38, 1-based): chr11:47,332,847, T>A on the plus strand (A>T on the coding strand, the complement: MYBPC3 is on the minus strand). VCF-style: chr11-47332847-T-A. GRCh37 (hg19) VCF-style: chr11-47354398-T-A.
Other names: short protein forms T1153S.
Identifiers: ClinVar variation 1354808 (VCV001354808.10), dbSNP rs746297609, ClinGen allele CA079379.

ClinVar aggregate classification (germline): Uncertain significance. Review status: criteria provided, multiple submitters, no conflicts (2 of 4 stars). 2 submissions from 2 submitters: Uncertain significance (2). Last evaluated 2025-07-13.

Conditions:
Cardiovascular phenotype. Identifiers: MedGen CN230736.
Hypertrophic cardiomyopathy. Also called: HYPERTROPHIC MYOCARDIOPATHY. Identifiers: Orphanet 217569, MedGen C0007194, MeSH D002312, MONDO:0005045, HP:0001639.

Allele frequency attached by ClinVar (database versions not stated): gnomAD exomes below 0.00001; ExAC 0.00001; gnomAD 0.00001.
gnomAD v4.1: 4 of 1,607,156 alleles (0.00025%); highest among the groups gnomAD compares: Non-Finnish European, 0.00034%; no homozygotes.

Submissions (2):

Labcorp Genetics (formerly Invitae), Labcorp
Classification: Uncertain significance for Hypertrophic cardiomyopathy. Last evaluated: 2025-07-13. Review status: criteria provided, single submitter. Criteria: Invitae Variant Classification Sherloc (09022015). Collection method: clinical testing. Allele origin: germline.
Comment: This sequence change replaces threonine, which is neutral and polar, with serine, which is neutral and polar, at codon 1153 of the MYBPC3 protein (p.Thr1153Ser). This variant is present in population databases (rs746297609, gnomAD 0.0009%). This variant has not been reported in the literature in individuals affected with MYBPC3-related conditions. ClinVar contains an entry for this variant (Variation ID: 1354808). An algorithm developed to predict the effect of missense changes on protein structure and function (PolyPhen-2) suggests that this variant is likely to be tolerated. In summary, the available evidence is currently insufficient to determine the role of this variant in disease. Therefore, it has been classified as a Variant of Uncertain Significance.

Ambry Genetics
Classification: Uncertain significance for Cardiovascular phenotype. Last evaluated: 2021-09-09. Review status: criteria provided, single submitter. Criteria: Ambry Variant Classification Scheme 2023. Collection method: clinical testing. Allele origin: germline.
Comment: The p.T1153S variant (also known as c.3457A>T), located in coding exon 31 of the MYBPC3 gene, results from an A to T substitution at nucleotide position 3457. The threonine at codon 1153 is replaced by serine, an amino acid with similar properties. This amino acid position is conserved. In addition, this alteration is predicted to be tolerated by in silico analysis. Since supporting evidence is limited at this time, the clinical significance of this alteration remains unclear.